The following is an entry in ClinVar:

NM_001288705.3(CSF1R):c.641G>A (p.Arg214Gln)

Genes: CSF1R (colony stimulating factor 1 receptor; minus strand), LOC111188154 (RORalpha allelically-responsive CSF1R enhancer; plus strand). Cytogenetic location: 5q32.
Variant type: single nucleotide variant.
Coding change: c.641G>A on transcript NM_001288705.3 (MANE Select); coding-DNA position 641, G replaced by A.
Protein change: p.Arg214Gln; replaces arginine 214 with glutamine.
Molecular consequence: missense variant. On other transcripts: non-coding transcript variant (2).
Genome position (GRCh38, 1-based): chr5:150,078,200, C>T on the plus strand (G>A on the coding strand, the complement: CSF1R is on the minus strand). VCF-style: chr5-150078200-C-T. GRCh37 (hg19) VCF-style: chr5-149457763-C-T.
Other names: c.641G>A, p.Arg214Gln (NM_001349736.2, NM_001375320.1, NM_005211.4); c.197G>A, p.Arg66Gln (NM_001375321.1); short protein forms R66Q, R214Q.
Identifiers: ClinVar variation 904890 (VCV000904890.4), dbSNP rs376495524, ClinGen allele CA3507120.

ClinVar aggregate classification (germline): Likely benign (1 of 4 stars; one submission).

Conditions:
Hereditary diffuse leukoencephalopathy with spheroids. Also called: LEUKOENCEPHALOPATHY, ADULT-ONSET, WITH AXONAL SPHEROIDS AND PIGMENTED GLIA. Identifiers: Orphanet 313808, MedGen C3711381, MONDO:0030796.

Allele frequency attached by ClinVar (database versions not stated): ExAC 0.00003; gnomAD 0.00005 and 0.00001; TOPMed 0.00005; gnomAD exomes 0.00002 and 0.00001; ESP Exome Variant Server 0.00008.
gnomAD v4.1: 17 of 1,613,958 alleles (0.0011%); highest among the groups gnomAD compares: South Asian, 0.0022%; no homozygotes.

Submission:

Illumina Laboratory Services, Illumina
Classification: Likely benign for Leukoencephalopathy, diffuse hereditary, with spheroids 1. Last evaluated: 2018-01-13. Review status: criteria provided, single submitter. Criteria: ICSL Variant Classification Criteria 13 December 2019. Collection method: clinical testing. Allele origin: germline.
Comment: This variant was observed in the ICSL laboratory as part of a predisposition screen in an ostensibly healthy population. It had not been previously curated by ICSL or reported in the Human Gene Mutation Database (HGMD: prior to June 1st, 2018), and was therefore a candidate for classification through an automated scoring system. Utilizing variant allele frequency, disease prevalence and penetrance estimates, and inheritance mode, an automated score was calculated to assess if this variant is too frequent to cause the disease. Based on the score and internal cut-off values, a variant classified as likely benign is not then subjected to further curation. The score for this variant resulted in a classification of likely benign for this disease.